The following is an entry in ClinVar:

NM_000535.7(PMS2):c.828C>G (p.Cys276Trp)

Gene: PMS2 (PMS1 homolog 2, mismatch repair system component; minus strand). Cytogenetic location: 7p22.1.
Variant type: single nucleotide variant.
Coding change: c.828C>G on transcript NM_000535.7 (MANE Select); coding-DNA position 828, C replaced by G.
Protein change: p.Cys276Trp; replaces cysteine 276 with tryptophan.
Molecular consequence: missense variant. On other transcripts: 5 prime UTR variant (2), non-coding transcript variant (1).
Genome position (GRCh38, 1-based): chr7:5,995,609, G>C on the plus strand (C>G on the coding strand, the complement: PMS2 is on the minus strand). VCF-style: chr7-5995609-G-C. GRCh37 (hg19) VCF-style: chr7-6035240-G-C.
Other names: c.-106C>G (NM_001322011.2, NM_001322012.2); c.828C>G, p.Cys276Trp (NM_001322014.2, NM_001322006.2, NM_001406870.1 and 2 more transcripts); c.255C>G, p.Cys85Trp (NM_001322013.2, NM_001406909.1); c.423C>G, p.Cys141Trp (NM_001018040.1, NM_001322003.2, NM_001322004.2 and 20 more transcripts); c.510C>G, p.Cys170Trp (NM_001322007.2, NM_001322008.2, NM_001406876.1 and 4 more transcripts); c.519C>G, p.Cys173Trp (NM_001322015.2, NM_001406875.1, NM_001406877.1 and 6 more transcripts); c.1014C>G, p.Cys338Trp (NM_001406866.1); c.852C>G, p.Cys284Trp (NM_001406868.1); and 4 more; short protein forms C105W, C141W, C164W, C170W, C338W, C173W, C276W, C220W.
Identifiers: ClinVar variation 1762753 (VCV001762753.2), dbSNP rs757324104, ClinGen allele CA366743535.
Genomic context (GRCh38, chr7:5,995,609, plus strand): 5'-AGGCCGCCGGTTGATAAAGAAAAACTGTCTGTCTGTTGAACTCCTTCCAACTCCATGCGT[G>C]CATTGTGAAATGAAACCTGAGATGCTATTCAACATTAATATGGTAAGGGCAGGATTCCAG-3'
Protein context (NP_000526.2, residues 266-286): LFYISGFISQ[Cys276Trp]THGVGRSSTD

ClinVar aggregate classification (germline): Uncertain significance (1 of 4 stars; one submission).

Conditions:
Hereditary cancer-predisposing syndrome. Also called: Neoplastic Syndromes, Hereditary; Tumor predisposition; Hereditary Cancer Syndrome; Hereditary neoplastic syndrome. Identifiers: Orphanet 140162, MedGen C0027672, MeSH D009386, MONDO:0015356.

Submission:

Ambry Genetics
Classification: Uncertain significance for Hereditary cancer-predisposing syndrome. Last evaluated: 2021-09-02. Review status: criteria provided, single submitter. Criteria: Ambry Variant Classification Scheme 2023. Collection method: clinical testing. Allele origin: germline.
Comment: The p.C276W variant (also known as c.828C>G), located in coding exon 8 of the PMS2 gene, results from a C to G substitution at nucleotide position 828. The cysteine at codon 276 is replaced by tryptophan, an amino acid with highly dissimilar properties. This amino acid position is not well conserved in available vertebrate species. In addition, the in silico prediction for this alteration is inconclusive. Since supporting evidence is limited at this time, the clinical significance of this alteration remains unclear.